The following is an entry in ClinVar:

NM_006267.5(RANBP2):c.4732G>A (p.Val1578Ile)

Gene: RANBP2 (RAN binding protein 2; plus strand). Cytogenetic location: 2q13.
Variant type: single nucleotide variant.
Coding change: c.4732G>A on transcript NM_006267.5 (MANE Select); coding-DNA position 4732, G replaced by A.
Protein change: p.Val1578Ile; replaces valine 1578 with isoleucine.
Molecular consequence: missense variant.
Genome position (GRCh38, 1-based): chr2:108,765,271, G>A. VCF-style: chr2-108765271-G-A. GRCh37 (hg19) VCF-style: chr2-109381727-G-A.
Other names: short protein forms V1578I.
Identifiers: ClinVar variation 1362025 (VCV001362025.9), dbSNP rs775467593, ClinGen allele CA1823166.

ClinVar aggregate classification (germline): Uncertain significance (1 of 4 stars; one submission).

Conditions:
Familial acute necrotizing encephalopathy (IIAE3). Also called: ENCEPHALOPATHY, ACUTE, INFECTION-INDUCED, SUSCEPTIBILITY TO, 3; Susceptibility to Acute Necrotizing Encephalopathy 1. Identifiers: Orphanet 88619, MedGen C2675556, MONDO:0011953, OMIM 608033.

Allele frequency attached by ClinVar (database versions not stated): gnomAD exomes below 0.00001; ExAC 0.00001.
gnomAD v4.1: 1 of 1,613,736 alleles (0.000062%); highest among the groups gnomAD compares: African/African-American, 0.0013%; no homozygotes.

Submission:

Labcorp Genetics (formerly Invitae), Labcorp
Classification: Uncertain significance for Familial acute necrotizing encephalopathy. Last evaluated: 2021-01-22. Review status: criteria provided, single submitter. Criteria: Invitae Variant Classification Sherloc (09022015). Collection method: clinical testing. Allele origin: germline.
Comment: This variant is present in population databases (rs775467593, ExAC 0.01%). This variant has not been reported in the literature in individuals with RANBP2-related conditions. This sequence change replaces valine with isoleucine at codon 1578 of the RANBP2 protein (p.Val1578Ile). The valine residue is weakly conserved and there is a small physicochemical difference between valine and isoleucine. Algorithms developed to predict the effect of missense changes on protein structure and function output the following: SIFT: "Tolerated"; PolyPhen-2: "Benign"; Align-GVGD: "Class C0". The isoleucine amino acid residue is found in multiple mammalian species, suggesting that this missense change does not adversely affect protein function. These predictions have not been confirmed by published functional studies and their clinical significance is uncertain. In summary, the available evidence is currently insufficient to determine the role of this variant in disease. Therefore, it has been classified as a Variant of Uncertain Significance.